The following is an entry in ClinVar:

NM_001283009.2(RTEL1):c.2993-4T>G

Genes: RTEL1 (regulator of telomere elongation helicase 1; plus strand), RTEL1-TNFRSF6B (RTEL1-TNFRSF6B readthrough (NMD candidate); plus strand). Cytogenetic location: 20q13.33.
Variant type: single nucleotide variant.
Coding change: c.2993-4T>G on transcript NM_001283009.2 (MANE Select); 4 bases into the intron before coding-DNA position 2993, T replaced by G.
Molecular consequence: intron variant.
Genome position (GRCh38, 1-based): chr20:63,694,368, T>G. VCF-style: chr20-63694368-T-G. GRCh37 (hg19) VCF-style: chr20-62325721-T-G.
Other names: c.2324-4T>G (NM_001283010.1); c.3065-4T>G (NM_032957.5); c.2993-4T>G (NM_016434.4).
Identifiers: ClinVar variation 3753108 (VCV003753108.2).

ClinVar aggregate classification (germline): Uncertain significance (1 of 4 stars; one submission).

Conditions:
Dyskeratosis congenita, autosomal recessive 5 (DKCB5). Identifiers: MedGen C3554656, MONDO:0014076, OMIM 615190.
Pulmonary fibrosis and/or bone marrow failure, Telomere-related, 3. Also called: PULMONARY FIBROSIS AND/OR BONE MARROW FAILURE SYNDROME, TELOMERE-RELATED, 3. Identifiers: Orphanet 2032, MedGen C4225346, MONDO:0014613, OMIM 616373.

Submission:

Labcorp Genetics (formerly Invitae), Labcorp
Classification: Uncertain significance for Dyskeratosis congenita, autosomal recessive 5; Pulmonary fibrosis and/or bone marrow failure, Telomere-related, 3. Last evaluated: 2025-12-25. Review status: criteria provided, single submitter. Criteria: Invitae Variant Classification Sherloc (09022015). Collection method: clinical testing. Allele origin: germline.
Comment: This sequence change falls in intron 30 of the RTEL1 gene. It does not directly change the encoded amino acid sequence of the RTEL1 protein. This variant is not present in population databases (gnomAD no frequency). This variant has not been reported in the literature in individuals affected with RTEL1-related conditions. ClinVar contains an entry for this variant (Variation ID: 3753108). Algorithms developed to predict the effect of sequence changes on RNA splicing suggest that this variant may create or strengthen a splice site. In summary, the available evidence is currently insufficient to determine the role of this variant in disease. Therefore, it has been classified as a Variant of Uncertain Significance.